The following is an entry in ClinVar:

ClinVar aggregate classification (germline): Likely benign. Review status: criteria provided, multiple submitters, no conflicts (2 of 4 stars). 2 submissions from 2 submitters: Likely benign (2). Last evaluated 2026-05-01.

gnomAD v4.1: 4 of 1,614,048 alleles (0.00025%); highest among the groups gnomAD compares: Admixed American, 0.0067%; no homozygotes.

Submissions (2):

CeGaT Center for Human Genetics Tuebingen
Classification: Likely benign. Last evaluated: 2026-05-01. Review status: criteria provided, single submitter. Criteria: CeGaT Center For Human Genetics Tuebingen Variant Classification Criteria Version 2. Collection method: clinical testing. Allele origin: germline. Affected: yes. Observed: 2 variant alleles.
Comment: TRRAP: BP4, BP7

Labcorp Genetics (formerly Invitae), Labcorp
Classification: Likely benign. Last evaluated: 2025-10-02. Review status: criteria provided, single submitter. Criteria: Invitae Variant Classification Sherloc (09022015). Collection method: clinical testing. Allele origin: germline.

NM_001375524.1(TRRAP):c.4671G>C (p.Ala1557=)

Gene: TRRAP (transformation/transcription domain associated protein; plus strand). Cytogenetic location: 7q22.1.
Variant type: single nucleotide variant.
Coding change: c.4671G>C on transcript NM_001375524.1 (MANE Select); coding-DNA position 4671, G replaced by C.
Protein change: p.Ala1557=; no amino-acid change (alanine 1557 retained).
Molecular consequence: synonymous variant.
Genome position (GRCh38, 1-based): chr7:98,948,568, G>C. VCF-style: chr7-98948568-G-C. GRCh37 (hg19) VCF-style: chr7-98546191-G-C.
Other names: c.4650G>C, p.Ala1550= (NM_001244580.2); c.4596G>C, p.Ala1532= (NM_003496.4).
Identifiers: ClinVar variation 2722781 (VCV002722781.7), dbSNP rs147905152, ClinGen allele CA456659563.